The following is an entry in ClinVar:

ClinVar aggregate classification (germline): Uncertain significance (1 of 4 stars; one submission).

gnomAD v4.1: 2 of 1,614,168 alleles (0.00012%); highest among the groups gnomAD compares: Non-Finnish European, 0.00017%; no homozygotes.

Submission:

Labcorp Genetics (formerly Invitae), Labcorp
Classification: Uncertain significance. Last evaluated: 2024-07-08. Review status: criteria provided, single submitter. Criteria: Invitae Variant Classification Sherloc (09022015). Collection method: clinical testing. Allele origin: germline.
Comment: This sequence change replaces isoleucine, which is neutral and non-polar, with threonine, which is neutral and polar, at codon 802 of the CEP97 protein (p.Ile802Thr). This variant is not present in population databases (gnomAD no frequency). This variant has not been reported in the literature in individuals affected with CEP97-related conditions. Advanced modeling of protein sequence and biophysical properties (such as structural, functional, and spatial information, amino acid conservation, physicochemical variation, residue mobility, and thermodynamic stability) performed at Invitae indicates that this missense variant is not expected to disrupt CEP97 protein function with a negative predictive value of 80%. In summary, the available evidence is currently insufficient to determine the role of this variant in disease. Therefore, it has been classified as a Variant of Uncertain Significance.

NM_024548.4(CEP97):c.2405T>C (p.Ile802Thr)

Gene: CEP97 (centrosomal protein 97; plus strand). Cytogenetic location: 3q12.3.
Variant type: single nucleotide variant.
Coding change: c.2405T>C on transcript NM_024548.4 (MANE Select); coding-DNA position 2405, T replaced by C.
Protein change: p.Ile802Thr; replaces isoleucine 802 with threonine.
Molecular consequence: missense variant.
Genome position (GRCh38, 1-based): chr3:101,765,358, T>C. VCF-style: chr3-101765358-T-C. GRCh37 (hg19) VCF-style: chr3-101484202-T-C.
Other names: c.2228T>C, p.Ile743Thr (NM_001303401.2); c.2303T>C, p.Ile768Thr (NM_001410784.1); c.2126T>C, p.Ile709Thr (NM_001410785.1); short protein forms I743T, I709T, I802T, I768T.
Identifiers: ClinVar variation 3650915 (VCV003650915.2).